The following is an entry in ClinVar:

NM_004370.6(COL12A1):c.8530A>C (p.Thr2844Pro)

Gene: COL12A1 (collagen type XII alpha 1 chain; minus strand). Cytogenetic location: 6q13.
Variant type: single nucleotide variant.
Coding change: c.8530A>C on transcript NM_004370.6 (MANE Select); coding-DNA position 8530, A replaced by C.
Protein change: p.Thr2844Pro; replaces threonine 2844 with proline.
Molecular consequence: missense variant.
Genome position (GRCh38, 1-based): chr6:75,097,300, T>G on the plus strand (A>C on the coding strand, the complement: COL12A1 is on the minus strand). VCF-style: chr6-75097300-T-G. GRCh37 (hg19) VCF-style: chr6-75807016-T-G.
Other names: c.8530A>C, p.Thr2844Pro (NM_001424113.1); c.8509A>C, p.Thr2837Pro (NM_001424114.1); c.8257A>C, p.Thr2753Pro (NM_001424115.1); c.5038A>C, p.Thr1680Pro (NM_001424116.1, NM_080645.3); short protein forms T1680P, T2753P, T2837P, T2844P.
Identifiers: ClinVar variation 2923193 (VCV002923193.3), dbSNP rs747817657, ClinGen allele CA3892219.
Genomic context (GRCh38, chr6:75,097,300, plus strand): 5'-ATTTAGTTCTTACCGGCGGCCCTGGTGGGCCCCTGGGTCCCATTGCACCGTCTTTTCCAG[T>G]GAAGCCCTATTGTAAAAATGAAAGTAATTACAGTTAGGGAGGTCATAAGCAAGTGAAAAG-3'
Protein context (NP_004361.3, residues 2834-2854): PMGPPGDRGF[Thr2844Pro]GKDGAMGPRG

ClinVar aggregate classification (germline): Uncertain significance (1 of 4 stars; one submission).

Conditions:
Ullrich congenital muscular dystrophy 2 (UCMD2). Identifiers: Orphanet 75840, MedGen C4225314, MONDO:0014654, OMIM 616470.
Bethlem myopathy 2 (BTHLM2). Identifiers: Orphanet 536516, Orphanet 610, MedGen C4225313, MONDO:0034022, OMIM 616471.

Allele frequency attached by ClinVar (database versions not stated): ExAC 0.00001; gnomAD exomes 0.00001.

Submission:

Labcorp Genetics (formerly Invitae), Labcorp
Classification: Uncertain significance for Bethlem myopathy 2; Ullrich congenital muscular dystrophy 2. Last evaluated: 2025-12-14. Review status: criteria provided, single submitter. Criteria: Invitae Variant Classification Sherloc (09022015). Collection method: clinical testing. Allele origin: germline.
Comment: This sequence change replaces threonine, which is neutral and polar, with proline, which is neutral and non-polar, at codon 2844 of the COL12A1 protein (p.Thr2844Pro). This variant is present in population databases (rs747817657, gnomAD 0.0009%). This variant has not been reported in the literature in individuals affected with COL12A1-related conditions. ClinVar contains an entry for this variant (Variation ID: 2923193). An algorithm developed to predict the effect of missense changes on protein structure and function (PolyPhen-2) suggests that this variant is likely to be disruptive. In summary, the available evidence is currently insufficient to determine the role of this variant in disease. Therefore, it has been classified as a Variant of Uncertain Significance.